The following is an entry in ClinVar:

ClinVar aggregate classification (germline): Conflicting classifications of pathogenicity. Review status: criteria provided, conflicting classifications (1 of 4 stars). 3 submissions from 3 submitters: Uncertain significance (2); Likely benign (1). Last evaluated 2023-09-15.

Conditions:
Cardiovascular phenotype. Identifiers: MedGen CN230736.

Allele frequency attached by ClinVar (database versions not stated): gnomAD 0.00004 and 0.00005; gnomAD exomes 0.00004; ExAC 0.00006; TOPMed 0.00006; 1000 Genomes Project 0.00040; 1000 Genomes Project 30x 0.00047.
gnomAD v4.1: 57 of 1,611,924 alleles (0.0035%); highest among the groups gnomAD compares: African/African-American, 0.016%; no homozygotes.

Submissions (3):

Blueprint Genetics
Classification: Likely benign. Last evaluated: 2023-09-15. Review status: criteria provided, single submitter. Criteria: ACMG Guidelines, 2015. Collection method: clinical testing. Allele origin: germline.

Women's Health and Genetics/Laboratory Corporation of America, LabCorp
Classification: Uncertain significance. Last evaluated: 2021-03-15. Review status: criteria provided, single submitter. Criteria: LabCorp Variant Classification Summary - May 2015. Collection method: clinical testing. Allele origin: germline.
Comment: Variant summary: TTN c.63637G>A (p.Val21213Ile) results in a conservative amino acid change located in the A-band region of the encoded protein sequence. Three of five in-silico tools predict a benign effect of the variant on protein function. The variant allele was found at a frequency of 4.1e-05 in 246414 control chromosomes. This frequency is not significantly higher than expected for a pathogenic variant in TTN causing Dilated Cardiomyopathy (4.1e-05 vs 0.00039), allowing no conclusion about variant significance. To our knowledge, no occurrence of c.63637G>A in individuals affected with Dilated Cardiomyopathy and no experimental evidence demonstrating its impact on protein function have been reported. No clinical diagnostic laboratories have submitted clinical-significance assessments for this variant to ClinVar after 2014. Based on the evidence outlined above, the variant was classified as uncertain significance.

Ambry Genetics
Classification: Uncertain significance for Cardiovascular phenotype. Last evaluated: 2019-08-26. Review status: criteria provided, single submitter. Criteria: Ambry Variant Classification Scheme 2023. Collection method: clinical testing. Allele origin: germline.
Comment: The p.V14716I variant (also known as c.44146G>A), located in coding exon 153 of the TTN gene, results from a G to A substitution at nucleotide position 44146. The valine at codon 14716 is replaced by isoleucine, an amino acid with highly similar properties. This amino acid position is highly conserved in available vertebrate species. In addition, this alteration is predicted to be tolerated by in silico analysis. Since supporting evidence is limited at this time, the clinical significance of this alteration remains unclear.

NM_001267550.2(TTN):c.71341G>A (p.Val23781Ile)

Genes: TTN (titin; minus strand), TTN-AS1 (TTN antisense RNA 1; plus strand). Cytogenetic location: 2q31.2.
Variant type: single nucleotide variant.
Coding change: c.71341G>A on transcript NM_001267550.2 (MANE Select); coding-DNA position 71341, G replaced by A.
Protein change: p.Val23781Ile; replaces valine 23781 with isoleucine.
Molecular consequence: missense variant.
Genome position (GRCh38, 1-based): chr2:178,574,791, C>T on the plus strand (G>A on the coding strand, the complement: TTN is on the minus strand). VCF-style: chr2-178574791-C-T. GRCh37 (hg19) VCF-style: chr2-179439518-C-T.
Other names: c.66418G>A, p.Val22140Ile (NM_001256850.1); c.44146G>A, p.Val14716Ile (NM_003319.4); c.63637G>A, p.Val21213Ile (NM_133378.4); c.44521G>A, p.Val14841Ile (NM_133432.3); c.44722G>A, p.Val14908Ile (NM_133437.4); short protein forms V14716I, V14841I, V14908I, V21213I, V22140I, V23781I.
Identifiers: ClinVar variation 1027584 (VCV001027584.4), dbSNP rs146483596, ClinGen allele CA1990641.
Genomic context (GRCh38, chr2:178,574,791, plus strand): 5'-CACGGAACTGATACTCTAATCCAGTAGTAAGGCGGGTGGCTTTATAGGTAGTACGTATAA[C>T]GGTGGTTGCTAACTCAACCCAGGTAGTACTGTCAGTCTGCCGCATTTCCACTACATAGTT-3'
Protein context (NP_001254479.2, residues 23771-23791): STTWVELATT[Val23781Ile]IRTTYKATRL